The following is an entry in ClinVar:

ClinVar aggregate classification (germline): Benign/Likely benign. Review status: criteria provided, multiple submitters, no conflicts (2 of 4 stars). 3 submissions from 3 submitters: Benign (2); Likely benign (1). Last evaluated 2025-12-09.

Conditions:
Pseudohypoaldosteronism type 2B (PHA2B). Also called: Pseudohypoaldosteronism Type IIB. Identifiers: Orphanet 757, Orphanet 88939, MedGen C1840390, MONDO:0013777, OMIM 614491.

Allele frequency attached by ClinVar (database versions not stated): TOPMed 0.00013; 1000 Genomes Project 30x 0.00031; 1000 Genomes Project 0.00040.
gnomAD v4.1: 82 of 1,613,894 alleles (0.0051%); highest among the groups gnomAD compares: East Asian, 0.13%; no homozygotes.

Submissions (3):

Labcorp Genetics (formerly Invitae), Labcorp
Classification: Benign. Last evaluated: 2025-12-09. Review status: criteria provided, single submitter. Criteria: Invitae Variant Classification Sherloc (09022015). Collection method: clinical testing. Allele origin: germline.

Fulgent Genetics
Classification: Likely benign for Pseudohypoaldosteronism type 2B. Last evaluated: 2024-04-24. Review status: criteria provided, single submitter. Criteria: ACMG Guidelines, 2015. Collection method: clinical testing. Allele origin: germline.

Illumina Laboratory Services, Illumina
Classification: Benign for Pseudohypoaldosteronism type 2B. Last evaluated: 2018-01-13. Review status: criteria provided, single submitter. Criteria: ICSL Variant Classification Criteria 13 December 2019. Collection method: clinical testing. Allele origin: germline.
Comment: This variant was observed in the ICSL laboratory as part of a predisposition screen in an ostensibly healthy population. It had not been previously curated by ICSL or reported in the Human Gene Mutation Database (HGMD: prior to June 1st, 2018), and was therefore a candidate for classification through an automated scoring system. Utilizing variant allele frequency, disease prevalence and penetrance estimates, and inheritance mode, an automated score was calculated to assess if this variant is too frequent to cause the disease. Based on the score and internal cut-off values, a variant classified as benign is not then subjected to further curation. The score for this variant resulted in a classification of benign for this disease.

NM_032387.5(WNK4):c.3518C>A (p.Pro1173Gln)

Gene: WNK4 (WNK lysine deficient protein kinase 4; plus strand). Cytogenetic location: 17q21.2.
Variant type: single nucleotide variant.
Coding change: c.3518C>A on transcript NM_032387.5 (MANE Select); coding-DNA position 3518, C replaced by A.
Protein change: p.Pro1173Gln; replaces proline 1173 with glutamine.
Molecular consequence: missense variant.
Genome position (GRCh38, 1-based): chr17:42,796,209, C>A. VCF-style: chr17-42796209-C-A. GRCh37 (hg19) VCF-style: chr17-40948227-C-A.
Other names: c.2510C>A, p.Pro837Gln (NM_001321299.2); short protein forms P1173Q, P837Q.
Identifiers: ClinVar variation 323352 (VCV000323352.9), dbSNP rs117902541, ClinGen allele CA8584617.
Genomic context (GRCh38, chr17:42,796,209, plus strand): 5'-AGACACTACAGAAAAAAGAAATTGAAGATTTGTACAGCCGGCTGGGGAAGCAGCCCCCAC[C>A]GGGTATTGTGGCCCCAGCTGCTATGCTGTCCAGCCGCCAGCGCCGCCTCTCCAAGGGCAG-3'
Protein context (NP_115763.2, residues 1163-1183): LYSRLGKQPP[Pro1173Gln]GIVAPAAMLS